The following is an entry in ClinVar:

NM_013336.4(SEC61A1):c.265C>T (p.Leu89Phe)

Gene: SEC61A1 (SEC61 translocon subunit alpha 1; plus strand). Cytogenetic location: 3q21.3.
Variant type: single nucleotide variant.
Coding change: c.265C>T on transcript NM_013336.4 (MANE Select); coding-DNA position 265, C replaced by T.
Protein change: p.Leu89Phe; replaces leucine 89 with phenylalanine.
Molecular consequence: missense variant.
Genome position (GRCh38, 1-based): chr3:128,056,753, C>T. VCF-style: chr3-128056753-C-T. GRCh37 (hg19) VCF-style: chr3-127775596-C-T.
Other names: p.L89F; c.283C>T, p.Leu95Phe (NM_001400328.1); c.106C>T, p.Leu36Phe (NM_001400329.1); short protein forms L36F, L89F, L95F.
Identifiers: ClinVar variation 1804890 (VCV001804890.3), dbSNP rs2473020544, ClinGen allele CA354391514.

ClinVar aggregate classification (germline): Likely pathogenic. Review status: criteria provided, multiple submitters, no conflicts (2 of 4 stars). 2 submissions from 2 submitters: Likely pathogenic (2). Last evaluated 2022-04-03.

Conditions:
Hyperuricemic nephropathy, familial juvenile type 4 (ADTKD5). Identifiers: MedGen C4310741, MONDO:0014891, OMIM 617056.

Submissions (2):

Watson Genetic Lab
Classification: Likely pathogenic for Hyperuricemic nephropathy, familial juvenile type 4. Last evaluated: 2022-04-03. Review status: criteria provided, single submitter. Criteria: ACMG Guidelines, 2015. Collection method: clinical testing. Allele origin: germline. Inheritance: Autosomal dominant inheritance. Affected: yes. Observed: 1 heterozygote.

Victorian Clinical Genetics Services, Murdoch Childrens Research Institute
Classification: Likely pathogenic for Hyperuricemic nephropathy, familial juvenile type 4. Last evaluated: 2021-05-06. Review status: criteria provided, single submitter. Criteria: ACMG Guidelines, 2015. Collection method: clinical testing. Allele origin: germline. Inheritance: Autosomal dominant inheritance. Affected: yes.
Comment: Based on the classification scheme VCGS_Germline_v1.3.4, this variant is classified as Likely pathogenic. Following criteria are met: 0102 - Loss of function is a known mechanism of disease in this gene and is associated with tubulointerstitial kidney disease, 5 (MIM#617056), previously known as juvenile familial hyperuricemic nephropathy, 4. Dominant negative is also a suggested mechanism. An additional immunodeficiency phenotype has also been reported, where patients may or may not have nephropathy (PMID: 28782633, PMID: 27392076). (I) 0107 - This gene is associated with autosomal dominant disease. (I) 0200 - Variant is predicted to result in a missense amino acid change from leucine to phenylalanine. (I) 0251 - This variant is heterozygous. (I) 0301 - Variant is absent from gnomAD (both v2 and v3). (SP) 0502 - Missense variant with conflicting in silico predictions and uninformative conservation. (I) 0603 - Missense variant in a region that is highly intolerant to missense variation (high constraint region in DECIPHER). (SP) 0705 - No comparable missense variants have previous evidence for pathogenicity. (I) 0807 - This variant has no previous evidence of pathogenicity. (I) 0903 - This variant has limited evidence for segregation with disease. (SP) 1007 - No published functional evidence has been identified for this variant. (I) Legend: (SP) - Supporting pathogenic, (I) - Information, (SB) - Supporting benign

Literature cited by the submitters: PubMed 27392076 (cited by Victorian Clinical Genetics Services, Murdoch Childrens Research Institute); PubMed 28782633 (cited by Victorian Clinical Genetics Services, Murdoch Childrens Research Institute).